The following is an entry in ClinVar:

ClinVar aggregate classification (germline): Uncertain significance. Review status: criteria provided, multiple submitters, no conflicts (2 of 4 stars). 5 submissions from 5 submitters: Uncertain significance (5). Last evaluated 2025-12-22.

Conditions:
RPGRIP1L-related disorder. Also called: RPGRIP1L-related condition; RPGRIP1L-related disorders. Identifiers: MedGen CN239416.
Joubert syndrome. Also called: Familial aplasia of the vermis; JOUBERT-BOLTSHAUSER SYNDROME. Identifiers: Orphanet 475, MedGen C5979921, MONDO:0018772.
Meckel-Gruber syndrome. Also called: Dysencephalia splachnocystica; DYSENCEPHALIA SPLANCHNOCYSTICA; GRUBER SYNDROME. Identifiers: Orphanet 564, MedGen C0265215, MONDO:0018921.
Inborn genetic diseases. Identifiers: MedGen C0950123, MeSH D030342.

Allele frequency attached by ClinVar (database versions not stated): gnomAD 0.00001; ExAC 0.00002; gnomAD exomes 0.00002; TOPMed 0.00003; ESP Exome Variant Server 0.00015.

Submissions (5):

PreventionGenetics, part of Exact Sciences
Classification: Uncertain significance for RPGRIP1L-related condition. Last evaluated: 2025-12-22. Review status: criteria provided, single submitter. Criteria: ACMG Guidelines, 2015. Collection method: clinical testing. Allele origin: germline.
Comment: The RPGRIP1L c.324G>C variant is predicted to result in the amino acid substitution p.Met108Ile. To our knowledge, this variant has not been reported in the literature. This variant is reported in 0.0088% of alleles in individuals of European (Non-Finnish) descent in gnomAD. At this time, the clinical significance of this variant is uncertain due to the absence of conclusive functional and genetic evidence.

Ambry Genetics
Classification: Uncertain significance for Inborn genetic diseases. Last evaluated: 2025-08-27. Review status: criteria provided, single submitter. Criteria: Ambry Variant Classification Scheme 2023. Collection method: clinical testing. Allele origin: germline.

Labcorp Genetics (formerly Invitae), Labcorp
Classification: Uncertain significance for Joubert syndrome; Meckel-Gruber syndrome. Last evaluated: 2025-07-29. Review status: criteria provided, single submitter. Criteria: Invitae Variant Classification Sherloc (09022015). Collection method: clinical testing. Allele origin: germline.
Comment: This sequence change replaces methionine, which is neutral and non-polar, with isoleucine, which is neutral and non-polar, at codon 108 of the RPGRIP1L protein (p.Met108Ile). This variant is present in population databases (rs371226088, gnomAD 0.01%). This variant has not been reported in the literature in individuals affected with RPGRIP1L-related conditions. ClinVar contains an entry for this variant (Variation ID: 2428394). Invitae Evidence Modeling of protein sequence and biophysical properties (such as structural, functional, and spatial information, amino acid conservation, physicochemical variation, residue mobility, and thermodynamic stability) has been performed for this missense variant. However, the output from this modeling did not meet the statistical confidence thresholds required to predict the impact of this variant on RPGRIP1L protein function. In summary, the available evidence is currently insufficient to determine the role of this variant in disease. Therefore, it has been classified as a Variant of Uncertain Significance.

Blueprint Genetics
Classification: Uncertain significance. Last evaluated: 2024-08-19. Review status: criteria provided, single submitter. Criteria: ACMG Guidelines, 2015. Collection method: clinical testing. Allele origin: germline.

GeneDx
Classification: Uncertain significance. Last evaluated: 2023-11-28. Review status: criteria provided, single submitter. Criteria: GeneDx Variant Classification Process June 2021. Collection method: clinical testing. Allele origin: germline. Affected: yes.
Comment: Not observed at significant frequency in large population cohorts (gnomAD); In silico analysis supports that this missense variant does not alter protein structure/function; Has not been previously published as pathogenic or benign to our knowledge

NM_015272.5(RPGRIP1L):c.324G>C (p.Met108Ile)

Gene: RPGRIP1L (RPGRIP1 like; minus strand). Cytogenetic location: 16q12.2.
Variant type: single nucleotide variant.
Coding change: c.324G>C on transcript NM_015272.5 (MANE Select); coding-DNA position 324, G replaced by C.
Protein change: p.Met108Ile; replaces methionine 108 with isoleucine.
Molecular consequence: missense variant.
Genome position (GRCh38, 1-based): chr16:53,692,271, C>G on the plus strand (G>C on the coding strand, the complement: RPGRIP1L is on the minus strand). VCF-style: chr16-53692271-C-G. GRCh37 (hg19) VCF-style: chr16-53726183-C-G.
Other names: c.324G>C (NM_015272.4, NM_015272.2); c.324G>C, p.Met108Ile (NM_001127897.4, NM_001308334.3, NM_001330538.2); short protein forms M108I.
Identifiers: ClinVar variation 2428394 (VCV002428394.10), dbSNP rs371226088, ClinGen allele CA8058132.